The following is an entry in ClinVar:

ClinVar aggregate classification (germline): Conflicting classifications of pathogenicity. Review status: criteria provided, conflicting classifications (1 of 4 stars). 3 submissions from 3 submitters: Uncertain significance (1); Benign (1). 1 of the submissions does not count toward it. Last evaluated 2026-04-21.

Conditions:
Hereditary cancer-predisposing syndrome. Also called: Hereditary neoplastic syndrome; Neoplastic Syndromes, Hereditary; Hereditary Cancer Syndrome; Tumor predisposition. Identifiers: Orphanet 140162, MedGen C0027672, MeSH D009386, MONDO:0015356.
DICER1-related disorder. Also called: DICER1-related condition.
DICER1-related tumor predisposition. Also called: DICER1-related pleuropulmonary blastoma cancer predisposition syndrome; DICER1 syndrome. Identifiers: Orphanet 284343, MedGen C3839822, MONDO:0100216.

Allele frequency attached by ClinVar (database versions not stated): gnomAD 0.00001; gnomAD exomes 0.00003; TOPMed 0.00001.
gnomAD v4.1: 48 of 1,613,182 alleles (0.003%); highest among the groups gnomAD compares: African/African-American, 0.004%; no homozygotes.

Submissions (3):

Myriad Genetics, Inc.
Classification: Benign for DICER1-related tumor predisposition. Last evaluated: 2026-04-21. Review status: criteria provided, single submitter. Criteria: Myriad Autosomal Dominant, Autosomal Recessive and X-Linked Classification Criteria (2023). Collection method: clinical testing. Allele origin: unknown.
Comment: This variant is considered benign. This variant occurs in the non-coding 3' untranslated region of the gene, and is not expected to impact protein function.

Ambry Genetics
Classification: Uncertain significance for Hereditary cancer-predisposing syndrome. Last evaluated: 2017-03-06. Review status: criteria provided, single submitter. Criteria: Ambry Variant Classification Scheme 2023. Collection method: clinical testing. Allele origin: germline.
Comment: The c.*4C>T variant is located in the 3' untranslated region (3&rsquo; UTR) of the DICER1 gene. This variant results from a C to T substitution the last translated codon. This nucleotide position is not well conserved in available vertebrate species. Since supporting evidence is limited at this time, the clinical significance of this alteration remains unclear.

PreventionGenetics, part of Exact Sciences
Classification: Likely benign for DICER1-related condition. Last evaluated: 2022-12-22. Review status: no assertion criteria provided. Collection method: clinical testing. Allele origin: germline. Not counted in ClinVar's aggregate classification.
Comment: This variant is classified as likely benign based on ACMG/AMP sequence variant interpretation guidelines (Richards et al. 2015 PMID: 25741868, with internal and published modifications).

NM_177438.3(DICER1):c.*4C>T

Gene: DICER1 (dicer 1, ribonuclease III; minus strand). Cytogenetic location: 14q32.13.
Variant type: single nucleotide variant.
Coding change: c.*4C>T on transcript NM_177438.3 (MANE Select); 4 bases downstream of the stop codon, C replaced by T.
Molecular consequence: 3 prime UTR variant.
Genome position (GRCh38, 1-based): chr14:95,090,494, G>A on the plus strand (C>T on the coding strand, the complement: DICER1 is on the minus strand). VCF-style: chr14-95090494-G-A. GRCh37 (hg19) VCF-style: chr14-95556831-G-A.
Other names: c.*120C>T (NM_001195573.1); c.*4C>T (NM_001271282.3, NM_001291628.2, NM_030621.4).
Identifiers: ClinVar variation 479616 (VCV000479616.8), dbSNP rs774611849, ClinGen allele CA7330593.
Genomic context (GRCh38, chr14:95,090,494, plus strand): 5'-TTTAAATAATTTTCCCCTTAATTTTTTTTGTTTTGTTTCTTGTTTTGAATTTTAAAAAGC[G>A]GTTTCAGCTATTGGGAACCTGAGGTTGATTAGCTTTGAGGCTTCGGAGGGCTCTTCTTGC-3'